The following is an entry in ClinVar:

NM_001365536.1(SCN9A):c.3024_3026del (p.Glu1008_Phe1009delinsAsp)

Genes: SCN9A (sodium voltage-gated channel alpha subunit 9; minus strand), SCN1A-AS1 (SCN1A and SCN9A antisense RNA 1; plus strand). Cytogenetic location: 2q24.3.
Variant type: Deletion.
Coding change: c.3024_3026del on transcript NM_001365536.1 (MANE Select); coding-DNA positions 3024 to 3026, 3 bases deleted (ATT; older notation c.3024_3026delATT).
Protein change: p.Glu1008_Phe1009delinsAsp.
Molecular consequence: inframe indel.
Genome position (GRCh38, 1-based): chr2:166,272,724-166,272,726, AAT deleted on the plus strand (ATT on the coding strand, the reverse complement: SCN9A is on the minus strand). VCF-style (leftmost placement, unchanged base first): chr2-166272723-AAAT-A. GRCh37 (hg19) VCF-style: chr2-167129233-AAAT-A.
Other names: c.2991_2993delATT, p.Glu997_Phe998delinsAsp (NM_002977.4).
Identifiers: ClinVar variation 850481 (VCV000850481.10), dbSNP rs1235363863, ClinGen allele CA760206943.

ClinVar aggregate classification (germline): Uncertain significance (1 of 4 stars; one submission).

Conditions:
Neuropathy, hereditary sensory and autonomic, type 2A (HSAN2A). Also called: ACROOSTEOLYSIS, GIACCAI TYPE; ACROOSTEOLYSIS, NEUROGENIC; HSAN IIA; NEUROPATHY, HEREDITARY SENSORY, TYPE IIA; NEUROPATHY, PROGRESSIVE SENSORY, OF CHILDREN; WNK1-Related HSAN2 (HSAN2A). Identifiers: Orphanet 970, MedGen C2752089, MONDO:0024309, OMIM 201300.
Generalized epilepsy with febrile seizures plus, type 7 (GEFSP7). Also called: GEFS+, TYPE 7. Identifiers: Orphanet 36387, MedGen C2751778, MONDO:0013470, OMIM 613863.

Allele frequency attached by ClinVar (database versions not stated): TOPMed below 0.00001; gnomAD 0.00001.

Submission:

Labcorp Genetics (formerly Invitae), Labcorp
Classification: Uncertain significance for Neuropathy, hereditary sensory and autonomic, type 2A; Generalized epilepsy with febrile seizures plus, type 7. Last evaluated: 2025-12-23. Review status: criteria provided, single submitter. Criteria: Invitae Variant Classification Sherloc (09022015). Collection method: clinical testing. Allele origin: germline.
Comment: This variant, c.2991_2993del, is a complex sequence change that results in the deletion of 2 and insertion of 1 amino acid(s) in the SCN9A protein (p.Glu997_Phe998delinsAsp). This variant is not present in population databases (gnomAD no frequency). This variant has not been reported in the literature in individuals affected with SCN9A-related conditions. ClinVar contains an entry for this variant (Variation ID: 850481). Experimental studies and prediction algorithms are not available or were not evaluated, and the functional significance of this variant is currently unknown. In summary, the available evidence is currently insufficient to determine the role of this variant in disease. Therefore, it has been classified as a Variant of Uncertain Significance.